The following is an entry in ClinVar:

NM_033026.6(PCLO):c.784A>G (p.Thr262Ala)

Gene: PCLO (piccolo presynaptic cytomatrix protein; minus strand). Cytogenetic location: 7q21.11.
Variant type: single nucleotide variant.
Coding change: c.784A>G on transcript NM_033026.6 (MANE Select); coding-DNA position 784, A replaced by G.
Protein change: p.Thr262Ala; replaces threonine 262 with alanine.
Molecular consequence: missense variant.
Genome position (GRCh38, 1-based): chr7:83,155,857, T>C on the plus strand (A>G on the coding strand, the complement: PCLO is on the minus strand). VCF-style: chr7-83155857-T-C. GRCh37 (hg19) VCF-style: chr7-82785173-T-C.
Other names: c.784A>G, p.Thr262Ala (NM_014510.3); short protein forms T262A.
Identifiers: ClinVar variation 2127176 (VCV002127176.4), dbSNP rs2116692014, ClinGen allele CA367919381.
Genomic context (GRCh38, chr7:83,155,857, plus strand): 5'-GAGGCCTGGATGCATCTCGTTGAAGTGGCAATTTTGCATGGTCTGTCTGAGGAGTCTGGG[T>C]AGGACCCTGAATTGGCTTTCCTGTACCTGGAGGTTGTGATTTAATTTTTTCTGGTTGTTG-3'
Protein context (NP_149015.2, residues 252-272): PGTGKPIQGP[Thr262Ala]QTPQTDHAKL

ClinVar aggregate classification (germline): Uncertain significance (1 of 4 stars; one submission).

Submission:

Labcorp Genetics (formerly Invitae), Labcorp
Classification: Uncertain significance. Last evaluated: 2022-04-25. Review status: criteria provided, single submitter. Criteria: Invitae Variant Classification Sherloc (09022015). Collection method: clinical testing. Allele origin: germline.
Comment: In summary, the available evidence is currently insufficient to determine the role of this variant in disease. Therefore, it has been classified as a Variant of Uncertain Significance. This sequence change replaces threonine, which is neutral and polar, with alanine, which is neutral and non-polar, at codon 262 of the PCLO protein (p.Thr262Ala). This variant is not present in population databases (gnomAD no frequency). This variant has not been reported in the literature in individuals affected with PCLO-related conditions. Algorithms developed to predict the effect of missense changes on protein structure and function output the following: SIFT: "Tolerated"; PolyPhen-2: "Not Available"; Align-GVGD: "Class C0". The alanine amino acid residue is found in multiple mammalian species, which suggests that this missense change does not adversely affect protein function.